The following is an entry in ClinVar:

NM_001329943.3(KIAA0586):c.502A>G (p.Ile168Val)

Gene: KIAA0586 (KIAA0586; plus strand). Cytogenetic location: 14q23.1.
Variant type: single nucleotide variant.
Coding change: c.502A>G on transcript NM_001329943.3 (MANE Select); coding-DNA position 502, A replaced by G.
Protein change: p.Ile168Val; replaces isoleucine 168 with valine.
Molecular consequence: missense variant.
Genome position (GRCh38, 1-based): chr14:58,442,797, A>G. VCF-style: chr14-58442797-A-G. GRCh37 (hg19) VCF-style: chr14-58909515-A-G.
Other names: c.661A>G, p.Ile221Val (NM_001244189.2); c.457A>G, p.Ile153Val (NM_001244190.2); c.247A>G, p.Ile83Val (NM_001244191.2, NM_001329945.2, NM_001364700.1 and 1 more transcripts); c.370A>G, p.Ile124Val (NM_001244192.2); c.82A>G, p.Ile28Val (NM_001244193.2); c.502A>G, p.Ile168Val (NM_001329944.2, NM_001329946.2, NM_001329947.2 and 1 more transcripts); short protein forms I168V, I221V, I28V, I83V, I124V, I153V.
Identifiers: ClinVar variation 2143519 (VCV002143519.2), dbSNP rs762927268, ClinGen allele CA7205412.

ClinVar aggregate classification (germline): Uncertain significance (1 of 4 stars; one submission).

Conditions:
Joubert syndrome 23 (JBTS23). Identifiers: Orphanet 475, MedGen C4084822, MONDO:0014664, OMIM 616490.
Short-rib thoracic dysplasia 14 with polydactyly (SRTD14). Identifiers: Orphanet 397715, MedGen C4225286, MONDO:0014688, OMIM 616546.

Allele frequency attached by ClinVar (database versions not stated): gnomAD 0.00001; gnomAD exomes 0.00001; TOPMed 0.00001; ExAC 0.00002.
gnomAD v4.1: 10 of 1,607,630 alleles (0.00062%); highest among the groups gnomAD compares: South Asian, 0.0089%; no homozygotes.

Submission:

Labcorp Genetics (formerly Invitae), Labcorp
Classification: Uncertain significance for Joubert syndrome 23; Short-rib thoracic dysplasia 14 with polydactyly. Last evaluated: 2022-02-25. Review status: criteria provided, single submitter. Criteria: Invitae Variant Classification Sherloc (09022015). Collection method: clinical testing. Allele origin: germline.
Comment: In summary, the available evidence is currently insufficient to determine the role of this variant in disease. Therefore, it has been classified as a Variant of Uncertain Significance. Algorithms developed to predict the effect of missense changes on protein structure and function output the following: SIFT: "Tolerated"; PolyPhen-2: "Benign"; Align-GVGD: "Class C0". The valine amino acid residue is found in multiple mammalian species, which suggests that this missense change does not adversely affect protein function. This variant has not been reported in the literature in individuals affected with KIAA0586-related conditions. This variant is present in population databases (rs762927268, gnomAD 0.007%). This sequence change replaces isoleucine, which is neutral and non-polar, with valine, which is neutral and non-polar, at codon 221 of the KIAA0586 protein (p.Ile221Val).